The following is an entry in ClinVar:

NM_003072.5(SMARCA4):c.706C>G (p.Pro236Ala)

Gene: SMARCA4 (SWI/SNF related BAF chromatin remodeling complex subunit ATPase 4; plus strand). Cytogenetic location: 19p13.2.
Variant type: single nucleotide variant.
Coding change: c.706C>G on transcript NM_003072.5 (MANE Select); coding-DNA position 706, C replaced by G.
Protein change: p.Pro236Ala; replaces proline 236 with alanine.
Molecular consequence: missense variant. On other transcripts: non-coding transcript variant (1).
Genome position (GRCh38, 1-based): chr19:10,986,539, C>G. VCF-style: chr19-10986539-C-G. GRCh37 (hg19) VCF-style: chr19-11097215-C-G.
Other names: c.706C>G, p.Pro236Ala (NM_001128849.3, NM_001374457.1, NM_001387283.1 and 6 more transcripts); short protein forms P236A.
Identifiers: ClinVar variation 3713361 (VCV003713361.2).

ClinVar aggregate classification (germline): Uncertain significance (1 of 4 stars; one submission).

Conditions:
Rhabdoid tumor predisposition syndrome 2 (RTPS2). Identifiers: Orphanet 231108, Orphanet 69077, MedGen C2750074, MONDO:0013224, OMIM 613325.

gnomAD v4.1: 1 of 1,541,260 alleles (0.000065%); highest among the groups gnomAD compares: Non-Finnish European, 0.000087%; no homozygotes.

Submission:

Labcorp Genetics (formerly Invitae), Labcorp
Classification: Uncertain significance for Rhabdoid tumor predisposition syndrome 2. Last evaluated: 2024-05-29. Review status: criteria provided, single submitter. Criteria: Invitae Variant Classification Sherloc (09022015). Collection method: clinical testing. Allele origin: germline.
Comment: This sequence change replaces proline, which is neutral and non-polar, with alanine, which is neutral and non-polar, at codon 236 of the SMARCA4 protein (p.Pro236Ala). This variant is not present in population databases (gnomAD no frequency). This variant has not been reported in the literature in individuals affected with SMARCA4-related conditions. Advanced modeling of protein sequence and biophysical properties (such as structural, functional, and spatial information, amino acid conservation, physicochemical variation, residue mobility, and thermodynamic stability) performed at Invitae indicates that this missense variant is not expected to disrupt SMARCA4 protein function with a negative predictive value of 95%. In summary, the available evidence is currently insufficient to determine the role of this variant in disease. Therefore, it has been classified as a Variant of Uncertain Significance.